The following is an entry in ClinVar:

ClinVar aggregate classification (germline): Uncertain significance (1 of 4 stars; one submission).

gnomAD v4.1: 2 of 1,551,400 alleles (0.00013%); highest among the groups gnomAD compares: African/African-American, 0.0027%; no homozygotes.

Submission:

GeneDx
Classification: Uncertain significance. Last evaluated: 2025-01-17. Review status: criteria provided, single submitter. Criteria: GeneDx Variant Classification Process June 2021. Collection method: clinical testing. Allele origin: germline. Affected: yes.
Comment: Not observed at significant frequency in large population cohorts (gnomAD); In silico analysis supports that this missense variant has a deleterious effect on protein structure/function; Has not been previously published as pathogenic or benign to our knowledge; Occurs in the triple helical domain at the X position in the canonical Gly-X-Y repeat; although this variant may have an effect on normal protein folding and function, missense substitution at the X position is not a common mechanism of disease (HGMD)

NM_000089.4(COL1A2):c.1115C>G (p.Pro372Arg)

Gene: COL1A2 (collagen type I alpha 2 chain; plus strand). Cytogenetic location: 7q21.3.
Variant type: single nucleotide variant.
Coding change: c.1115C>G on transcript NM_000089.4 (MANE Select); coding-DNA position 1115, C replaced by G.
Protein change: p.Pro372Arg; replaces proline 372 with arginine.
Molecular consequence: missense variant.
Genome position (GRCh38, 1-based): chr7:94,410,445, C>G. VCF-style: chr7-94410445-C-G. GRCh37 (hg19) VCF-style: chr7-94039757-C-G.
Other names: short protein forms P372R.
Identifiers: ClinVar variation 4071678 (VCV004071678.1).